The following is an entry in ClinVar:

ClinVar aggregate classification (germline): Benign/Likely benign. Review status: criteria provided, multiple submitters, no conflicts (2 of 4 stars). 5 submissions from 5 submitters: Benign (3); Likely benign (2). Last evaluated 2026-01-09.

Conditions:
EEM syndrome (EEMS). Identifiers: Orphanet 1897, MedGen C1857041, MONDO:0009155, OMIM 225280.

Allele frequency attached by ClinVar (database versions not stated): gnomAD exomes 0.00025 and 0.00054; ExAC 0.00068; gnomAD 0.00212 and 0.00225; 1000 Genomes Project 30x 0.00219; 1000 Genomes Project 0.00220; ESP Exome Variant Server 0.00231; TOPMed 0.00243.
gnomAD v4.1: 697 of 1,614,056 alleles (0.043%); highest among the groups gnomAD compares: African/African-American, 0.7%; 3 homozygotes.

Submissions (8):

Labcorp Genetics (formerly Invitae), Labcorp
Classification: Benign. Last evaluated: 2026-01-09. Review status: criteria provided, single submitter. Criteria: Invitae Variant Classification Sherloc (09022015). Collection method: clinical testing. Allele origin: germline.

Blueprint Genetics
Classification: Likely benign. Last evaluated: 2024-11-13. Review status: criteria provided, single submitter. Criteria: ACMG Guidelines, 2015. Collection method: clinical testing. Allele origin: germline.

GeneDx
Classification: Benign. Last evaluated: 2020-02-25. Review status: criteria provided, single submitter. Criteria: GeneDx Variant Classification Process June 2021. Collection method: clinical testing. Allele origin: germline. Affected: yes.

Illumina Laboratory Services, Illumina
Classification: Likely benign for EEM syndrome. Last evaluated: 2018-01-12. Review status: criteria provided, single submitter. Criteria: ICSL Variant Classification Criteria 13 December 2019. Collection method: clinical testing. Allele origin: germline.
Comment: This variant was observed in the ICSL laboratory as part of a predisposition screen in an ostensibly healthy population. It had not been previously curated by ICSL or reported in the Human Gene Mutation Database (HGMD: prior to June 1st, 2018), and was therefore a candidate for classification through an automated scoring system. Utilizing variant allele frequency, disease prevalence and penetrance estimates, and inheritance mode, an automated score was calculated to assess if this variant is too frequent to cause the disease. Based on the score and internal cut-off values, a variant classified as likely benign is not then subjected to further curation. The score for this variant resulted in a classification of likely benign for this disease.

Eurofins Ntd Llc (ga)
Classification: Benign. Last evaluated: 2017-01-23. Review status: criteria provided, single submitter. Criteria: EGL Classification Definitions 2015. Collection method: clinical testing. Allele origin: germline. Observed: 1 variant allele, 1 heterozygote.

Dr. Peter K. Rogan Lab, Western University
No classification provided (evidence only). Condition: Thyroid cancer, nonmedullary, 1. Review status: no classification provided. Collection method: in vitro. Allele origin: not applicable. Functional consequence: retained intron. Not counted in ClinVar's aggregate classification.

Dr. Peter K. Rogan Lab, Western University
No classification provided (evidence only). Condition: Uterine corpus endometrial carcinoma. Review status: no classification provided. Collection method: in vitro. Allele origin: not applicable. Functional consequence: retained intron. Not counted in ClinVar's aggregate classification.

Dr. Peter K. Rogan Lab, Western University
No classification provided (evidence only). Condition: Gastric cancer. Review status: no classification provided. Collection method: in vitro. Allele origin: not applicable. Functional consequence: retained intron. Not counted in ClinVar's aggregate classification.

NM_001793.6(CDH3):c.1087C>T (p.Arg363Cys)

Gene: CDH3 (cadherin 3; plus strand). Cytogenetic location: 16q22.1.
Variant type: single nucleotide variant.
Coding change: c.1087C>T on transcript NM_001793.6 (MANE Select); coding-DNA position 1087, C replaced by T.
Protein change: p.Arg363Cys; replaces arginine 363 with cysteine.
Molecular consequence: missense variant.
Genome position (GRCh38, 1-based): chr16:68,682,392, C>T. VCF-style: chr16-68682392-C-T. GRCh37 (hg19) VCF-style: chr16-68716295-C-T.
Other names: c.1087C>T, p.Arg363Cys (NM_001317195.3); c.922C>T, p.Arg308Cys (NM_001317196.2); short protein forms R363C, R308C.
Identifiers: ClinVar variation 499462 (VCV000499462.22), dbSNP rs74026937, ClinGen allele CA8129252.